The following is an entry in ClinVar:

NM_000400.4(ERCC2):c.2022del (p.Asp673_Tyr674insTer)

Gene: ERCC2 (ERCC excision repair 2, TFIIH core complex helicase subunit; minus strand). Cytogenetic location: 19q13.32.
Variant type: Deletion.
Coding change: c.2022del on transcript NM_000400.4 (MANE Select); coding-DNA position 2022, one base deleted (C; older notation c.2022delC).
Protein change: p.Asp673_Tyr674insTer.
Molecular consequence: nonsense. On other transcripts: non-coding transcript variant (3).
Genome position (GRCh38, 1-based): chr19:45,352,530, G deleted on the plus strand (C on the coding strand, the reverse complement: ERCC2 is on the minus strand). VCF-style (leftmost placement, unchanged base first): chr19-45352529-CG-C. GRCh37 (hg19) VCF-style: chr19-45855787-CG-C.
Other names: c.1950del, p.Asp649_Tyr650insTer (NM_001440355.1); c.1944del, p.Asp647_Tyr648insTer (NM_001440356.1); c.1899del, p.Asp632_Tyr633insTer (NM_001440357.1).
Identifiers: ClinVar variation 4530053 (VCV004530053.1).

ClinVar aggregate classification (somatic clinical impact): Tier II - Potential (1 of 4 stars; one submission).

Conditions:
Ewing sarcoma (ES). Also called: Ewing's sarcoma; Ewing's tumor; Ewing tumor. Identifiers: Orphanet 2677, Orphanet 319, MedGen C0553580, MONDO:0012817, OMIM 612219, HP:0012254.

Submission:

Institute for Genomic Medicine (IGM) Clinical Laboratory, Nationwide Children's Hospital
Classification: Tier II - Potential for Ewing sarcoma. Assertion type: diagnostic. Clinical significance: supports diagnosis. Last evaluated: 2023-01-09. Review status: criteria provided, single submitter. Criteria: AMP/ASCO/CAP Guidelines, 2017. Collection method: clinical testing. Allele origin: somatic. Affected: yes.
Comment: Variant has Tier II (potential) clinical significance as a diagnostic inclusion criterion in Ewing sarcoma, based on the following evidence: 1) Documented in one or more cancer databases (e.g., St. Jude Pecan, COSMIC, CIViC, OncoKB). 2) Diagnostic significance based on multiple small studies (Evidence Level C; PMIDs: 25186949, 35079231).

Literature cited by the submitters: PubMed 25186949; PubMed 35079231.